The following is an entry in ClinVar:

NM_002439.5(MSH3):c.3373G>A (p.Glu1125Lys)

Gene: MSH3 (mutS homolog 3; plus strand). Cytogenetic location: 5q14.1.
Variant type: single nucleotide variant.
Coding change: c.3373G>A on transcript NM_002439.5 (MANE Select); coding-DNA position 3373, G replaced by A.
Protein change: p.Glu1125Lys; replaces glutamic acid 1125 with lysine.
Molecular consequence: missense variant.
Genome position (GRCh38, 1-based): chr5:80,875,821, G>A. VCF-style: chr5-80875821-G-A. GRCh37 (hg19) VCF-style: chr5-80171640-G-A.
Other names: c.3373G>A (NM_002439.3); short protein forms E1125K.
Identifiers: ClinVar variation 653752 (VCV000653752.11), dbSNP rs1580106242, ClinGen allele CA360347422.

ClinVar aggregate classification (germline): Uncertain significance. Review status: criteria provided, multiple submitters, no conflicts (2 of 4 stars). 2 submissions from 2 submitters: Uncertain significance (2). Last evaluated 2024-01-27.

Conditions:
Hereditary cancer-predisposing syndrome. Also called: Neoplastic Syndromes, Hereditary; Tumor predisposition; Hereditary Cancer Syndrome; Hereditary neoplastic syndrome. Identifiers: Orphanet 140162, MedGen C0027672, MeSH D009386, MONDO:0015356.

Submissions (2):

Ambry Genetics
Classification: Uncertain significance for Hereditary cancer-predisposing syndrome. Last evaluated: 2024-01-27. Review status: criteria provided, single submitter. Criteria: Ambry Variant Classification Scheme 2023. Collection method: clinical testing. Allele origin: germline.
Comment: The p.E1125K variant (also known as c.3373G>A), located in coding exon 24 of the MSH3 gene, results from a G to A substitution at nucleotide position 3373. The glutamic acid at codon 1125 is replaced by lysine, an amino acid with similar properties. This amino acid position is conserved. In addition, this alteration is predicted to be tolerated by in silico analysis. Based on the available evidence, the clinical significance of this alteration remains unclear.

Labcorp Genetics (formerly Invitae), Labcorp
Classification: Uncertain significance. Last evaluated: 2023-09-23. Review status: criteria provided, single submitter. Criteria: Invitae Variant Classification Sherloc (09022015). Collection method: clinical testing. Allele origin: germline.
Comment: This sequence change replaces glutamic acid, which is acidic and polar, with lysine, which is basic and polar, at codon 1125 of the MSH3 protein (p.Glu1125Lys). This variant is not present in population databases (gnomAD no frequency). This variant has not been reported in the literature in individuals affected with MSH3-related conditions. ClinVar contains an entry for this variant (Variation ID: 653752). Algorithms developed to predict the effect of missense changes on protein structure and function output the following: SIFT: "Not Available"; PolyPhen-2: "Benign"; Align-GVGD: "Not Available". The lysine amino acid residue is found in multiple mammalian species, which suggests that this missense change does not adversely affect protein function. In summary, the available evidence is currently insufficient to determine the role of this variant in disease. Therefore, it has been classified as a Variant of Uncertain Significance.